The following is an entry in ClinVar:

NM_130837.3(OPA1):c.1411G>A (p.Glu471Lys)

Gene: OPA1 (OPA1 mitochondrial dynamin like GTPase; plus strand). Cytogenetic location: 3q29.
Variant type: single nucleotide variant.
Coding change: c.1411G>A on transcript NM_130837.3 (MANE Select); coding-DNA position 1411, G replaced by A.
Protein change: p.Glu471Lys; replaces glutamic acid 471 with lysine.
Molecular consequence: missense variant.
Genome position (GRCh38, 1-based): chr3:193,643,561, G>A. VCF-style: chr3-193643561-G-A. GRCh37 (hg19) VCF-style: chr3-193361350-G-A.
Other names: c.877G>A, p.Glu293Lys (NM_001354663.2); c.874G>A, p.Glu292Lys (NM_001354664.2); c.1246G>A, p.Glu416Lys (NM_015560.3); c.1138G>A, p.Glu380Lys (NM_130831.3); c.1192G>A, p.Glu398Lys (NM_130832.3); c.1249G>A, p.Glu417Lys (NM_130833.3); c.1300G>A, p.Glu434Lys (NM_130834.3); c.1303G>A, p.Glu435Lys (NM_130835.3); and 1 more; short protein forms E292K, E293K, E380K, E398K, E416K, E417K, E434K, E435K.
Identifiers: ClinVar variation 2505956 (VCV002505956.1), dbSNP rs1357216250, ClinGen allele CA355789517.

ClinVar aggregate classification (germline): Uncertain significance (1 of 4 stars; one submission).

Allele frequency attached by ClinVar (database versions not stated): TOPMed below 0.00001; gnomAD 0.00001; gnomAD exomes 0.00001.
gnomAD v4.1: 8 of 1,613,732 alleles (0.0005%); highest among the groups gnomAD compares: Admixed American, 0.0017%; no homozygotes.

Submission:

GeneDx
Classification: Uncertain significance. Last evaluated: 2022-12-13. Review status: criteria provided, single submitter. Criteria: GeneDx Variant Classification Process June 2021. Collection method: clinical testing. Allele origin: germline. Affected: yes.
Comment: Not observed at significant frequency in large population cohorts (gnomAD); In silico analysis supports that this missense variant has a deleterious effect on protein structure/function; Has not been previously published as pathogenic or benign to our knowledge; This variant is associated with the following publications: (PMID: 11440988)